The following is an entry in ClinVar:

ClinVar aggregate classification (germline): Uncertain significance (1 of 4 stars; one submission).

gnomAD v4.1: 1 of 1,613,376 alleles (0.000062%); no homozygotes.

Submission:

GeneDx
Classification: Uncertain significance. Last evaluated: 2024-12-14. Review status: criteria provided, single submitter. Criteria: GeneDx Variant Classification Process June 2021. Collection method: clinical testing. Allele origin: germline. Affected: yes.
Comment: In silico analysis indicates that this missense variant does not alter protein structure/function; In silico analysis is inconclusive as to whether the variant alters gene splicing. In the absence of RNA/functional studies, the actual effect of this sequence change is unknown.; Has not been previously published as pathogenic or benign to our knowledge

NM_004525.3(LRP2):c.12155G>C (p.Ser4052Thr)

Gene: LRP2 (LDL receptor related protein 2; minus strand). Cytogenetic location: 2q31.1.
Variant type: single nucleotide variant.
Coding change: c.12155G>C on transcript NM_004525.3 (MANE Select); coding-DNA position 12155, G replaced by C.
Protein change: p.Ser4052Thr; replaces serine 4052 with threonine.
Molecular consequence: missense variant.
Genome position (GRCh38, 1-based): chr2:169,154,600, C>G on the plus strand (G>C on the coding strand, the complement: LRP2 is on the minus strand). VCF-style: chr2-169154600-C-G. GRCh37 (hg19) VCF-style: chr2-170011110-C-G.
Other names: short protein forms S4052T.
Identifiers: ClinVar variation 3906559 (VCV003906559.1).